The following is an entry in ClinVar:

NM_000334.4(SCN4A):c.2995G>A (p.Val999Met)

Genes: GH-LCR (growth hormone locus control region; plus strand), SCN4A (sodium voltage-gated channel alpha subunit 4; minus strand). Cytogenetic location: 17q23.3.
Variant type: single nucleotide variant.
Coding change: c.2995G>A on transcript NM_000334.4 (MANE Select); coding-DNA position 2995, G replaced by A.
Protein change: p.Val999Met; replaces valine 999 with methionine.
Molecular consequence: missense variant.
Genome position (GRCh38, 1-based): chr17:63,948,760, C>T on the plus strand (G>A on the coding strand, the complement: SCN4A is on the minus strand). VCF-style: chr17-63948760-C-T. GRCh37 (hg19) VCF-style: chr17-62026120-C-T.
Other names: short protein forms V999M.
Identifiers: ClinVar variation 324525 (VCV000324525.21), dbSNP rs377277110, ClinGen allele CA8709421.

ClinVar aggregate classification (germline): Conflicting classifications of pathogenicity. Review status: criteria provided, conflicting classifications (1 of 4 stars). 9 submissions from 5 submitters: Uncertain significance (4); Benign (4); Likely benign (1). Last evaluated 2026-06-09.

Conditions:
SCN4A-related disorder. Also called: SCN4A-related disorders.
Limb-girdle muscular dystrophy (LGMD). Also called: Muscular Dystrophies, Limb-Girdle. Identifiers: Orphanet 263, MedGen C0686353, MeSH D049288, MONDO:0016971, HP:0006785.
Hyperkalemic periodic paralysis. Also called: Familial hyperkalemic periodic paralysis; Gamstorp disease. Identifiers: Orphanet 682, MedGen C0238357, MONDO:0008224, OMIM 170500, HP:0007215.
Congenital myasthenic syndrome 16. Identifiers: Orphanet 590, MedGen C3280112, MONDO:0013620, OMIM 614198.
Paramyotonia congenita of Von Eulenburg. Also called: Paramyotonia Congenita; PARALYSIS PERIODICA PARAMYOTONICA; Eulenburg disease; Myotonia congenita intermittens; Von Eulenburg paramyotonia congenita. Identifiers: Orphanet 684, MedGen C0221055, MONDO:0008195, OMIM 168300. Disease mechanism: loss of function.
Potassium-aggravated myotonia. Also called: Myotonia congenita, atypical, acetazolamide-responsive; MYOTONIA CONGENITA, ACETAZOLAMIDE-RESPONSIVE; MYOTONIA CONGENITA, ATYPICAL; SODIUM CHANNEL MUSCLE DISEASE. Identifiers: Orphanet 612, Orphanet 99734, Orphanet 99735, Orphanet 99736, MedGen C2931826, MONDO:0018959, OMIM 608390.
Hypokalemic periodic paralysis, type 2 (HOKPP2). Identifiers: Orphanet 681, MedGen C2750061, MONDO:0013234, OMIM 613345.

Allele frequency attached by ClinVar (database versions not stated): ESP Exome Variant Server 0.00008; gnomAD 0.00026 and 0.00025; ExAC 0.00007; TOPMed 0.00037.
gnomAD v4.1: 150 of 1,604,894 alleles (0.0093%); highest among the groups gnomAD compares: African/African-American, 0.1%; no homozygotes.

Submissions (9):

PreventionGenetics, part of Exact Sciences
Classification: Uncertain significance for SCN4A-related condition. Last evaluated: 2026-06-09. Review status: criteria provided, single submitter. Criteria: ACMG Guidelines, 2015. Collection method: clinical testing. Allele origin: germline.
Comment: The SCN4A c.2995G>A variant is predicted to result in the amino acid substitution p.Val999Met. This variant has been reported with a RYR1 variant in a patient with exertional heat illness and an abnormal IVCT response to halothane only (Supp. Table 4. EHI ID 10, Gardner et al. 2020. PubMed ID: 32054689). This variant is reported in 0.10% of alleles in individuals of African descent in gnomAD, which may be too frequent to be a primary cause of an autosomal dominant disease. Although we suspect that this variant may be benign, at this time, the clinical significance of this variant is uncertain due to the absence of conclusive functional and genetic evidence.

Labcorp Genetics (formerly Invitae), Labcorp
Classification: Likely benign for Hyperkalemic periodic paralysis. Last evaluated: 2025-10-08. Review status: criteria provided, single submitter. Criteria: Invitae Variant Classification Sherloc (09022015). Collection method: clinical testing. Allele origin: germline.

GeneDx
Classification: Uncertain significance. Last evaluated: 2022-08-17. Review status: criteria provided, single submitter. Criteria: GeneDx Variant Classification Process June 2021. Collection method: clinical testing. Allele origin: germline. Affected: yes.
Comment: In silico analysis supports that this missense variant does not alter protein structure/function; Has not been previously published as pathogenic or benign to our knowledge

Cambridge Genomics Laboratory, East Genomic Laboratory Hub, NHS Genomic Medicine Service
Classification: Uncertain significance for Limb-girdle muscular dystrophy. Last evaluated: 2019-09-03. Review status: criteria provided, single submitter. Criteria: ACGS Best Practice Guidelines for Variant Classification in Rare Disease 2020. Collection method: clinical testing. Allele origin: germline. Affected: yes. Observed: 1 variant allele.

Illumina Laboratory Services, Illumina
Classification: Benign for Paramyotonia congenita of Von Eulenburg. Last evaluated: 2018-01-12. Review status: criteria provided, single submitter. Criteria: ICSL Variant Classification Criteria 13 December 2019. Collection method: clinical testing. Allele origin: germline.
Comment: This variant was observed in the ICSL laboratory as part of a predisposition screen in an ostensibly healthy population. It had not been previously curated by ICSL or reported in the Human Gene Mutation Database (HGMD: prior to June 1st, 2018), and was therefore a candidate for classification through an automated scoring system. Utilizing variant allele frequency, disease prevalence and penetrance estimates, and inheritance mode, an automated score was calculated to assess if this variant is too frequent to cause the disease. Based on the score and internal cut-off values, a variant classified as benign is not then subjected to further curation. The score for this variant resulted in a classification of benign for this disease.

Illumina Laboratory Services, Illumina
Classification: Benign for Hyperkalemic periodic paralysis. Last evaluated: 2018-01-12. Review status: criteria provided, single submitter. Criteria: ICSL Variant Classification Criteria 13 December 2019. Collection method: clinical testing. Allele origin: germline.
Comment: the same text as in the submission from Illumina Laboratory Services, Illumina above.

Illumina Laboratory Services, Illumina
Classification: Benign for Hypokalemic periodic paralysis, type 2. Last evaluated: 2018-01-12. Review status: criteria provided, single submitter. Criteria: ICSL Variant Classification Criteria 13 December 2019. Collection method: clinical testing. Allele origin: germline.
Comment: the same text as in the submission from Illumina Laboratory Services, Illumina above.

Illumina Laboratory Services, Illumina
Classification: Uncertain significance for Congenital myasthenic syndrome 16. Last evaluated: 2018-01-12. Review status: criteria provided, single submitter. Criteria: ICSL Variant Classification Criteria 13 December 2019. Collection method: clinical testing. Allele origin: germline.

Illumina Laboratory Services, Illumina
Classification: Benign for Potassium-aggravated myotonia. Last evaluated: 2018-01-12. Review status: criteria provided, single submitter. Criteria: ICSL Variant Classification Criteria 13 December 2019. Collection method: clinical testing. Allele origin: germline.
Comment: the same text as in the submission from Illumina Laboratory Services, Illumina above.